The following is an entry in ClinVar:

ClinVar aggregate classification (germline): Uncertain significance (1 of 4 stars; one submission).

Conditions:
Hereditary cancer-predisposing syndrome. Also called: Neoplastic Syndromes, Hereditary; Tumor predisposition; Hereditary neoplastic syndrome; Hereditary Cancer Syndrome. Identifiers: Orphanet 140162, MedGen C0027672, MeSH D009386, MONDO:0015356.

Submission:

Ambry Genetics
Classification: Uncertain significance for Hereditary cancer-predisposing syndrome. Last evaluated: 2024-02-13. Review status: criteria provided, single submitter. Criteria: Ambry Variant Classification Scheme 2023. Collection method: clinical testing. Allele origin: germline.
Comment: The p.R425G variant (also known as c.1273C>G), located in coding exon 9 of the STK11 gene, results from a C to G substitution at nucleotide position 1273. The arginine at codon 425 is replaced by glycine, an amino acid with dissimilar properties. This amino acid position is highly conserved in available vertebrate species. In addition, the in silico prediction for this alteration is inconclusive. Based on the available evidence, the clinical significance of this alteration remains unclear.

NM_000455.5(STK11):c.1273C>G (p.Arg425Gly)

Gene: STK11 (serine/threonine kinase 11; plus strand). Cytogenetic location: 19p13.3.
Variant type: single nucleotide variant.
Coding change: c.1273C>G on transcript NM_000455.5 (MANE Select); coding-DNA position 1273, C replaced by G.
Protein change: p.Arg425Gly; replaces arginine 425 with glycine.
Molecular consequence: missense variant. On other transcripts: non-coding transcript variant (1).
Genome position (GRCh38, 1-based): chr19:1,226,618, C>G. VCF-style: chr19-1226618-C-G. GRCh37 (hg19) VCF-style: chr19-1226617-C-G.
Other names: short protein forms R425G.
Identifiers: ClinVar variation 3231737 (VCV003231737.1), dbSNP rs754853898, ClinGen allele CA402954179.
Genomic context (GRCh38, chr19:1,226,618, plus strand): 5'-AGGGCGGAGGGCCGGGCCCCCAACCCTGCCCGCAAGGCCTGCTCCGCCAGCAGCAAGATC[C>G]GCCGGCTGTCGGCCTGCAAGCAGCAGTGAGGCTGGCCGCCTGCAGGTGGGGCGCGGCGGG-3'
Protein context (NP_000446.1, residues 415-433): RKACSASSKI[Arg425Gly]RLSACKQQ